The following is an entry in ClinVar:

ClinVar aggregate classification (germline): Benign/Likely benign. Review status: criteria provided, multiple submitters, no conflicts (2 of 4 stars). 2 submissions from 2 submitters: Benign (1); Likely benign (1). Last evaluated 2018-01-13.

Conditions:
Cerebellar ataxia, impaired intellectual development, and dysequilibrium syndrome 1. Also called: Cerebellar hypoplasia and mental retardation with or without quadrupedal locomotion 1; Cerebellar ataxia, mental retardation, and dysequilibrium syndrome 1; Cerebellar ataxia, intellectual disability, and dysequilibrium syndrome 1; VLDLR Cerebellar Hypoplasia; CEREBELLAR ATAXIA AND MENTAL RETARDATION WITH OR WITHOUT QUADRUPEDAL LOCOMOTION 1; CEREBELLAR ATAXIA, CONGENITAL, AND MENTAL RETARDATION, AUTOSOMAL RECESSIVE. Identifiers: Orphanet 1766, MedGen C4551552, MONDO:0024542, OMIM 224050.

Allele frequency attached by ClinVar (database versions not stated): 1000 Genomes Project 0.09585; TOPMed 0.14723; 1000 Genomes Project 30x 0.09635; gnomAD 0.15720 and 0.16040; gnomAD exomes 0.11768.
gnomAD v4.1: 24,550 of 158,344 alleles (16%); highest among the groups gnomAD compares: Non-Finnish European, 19%; 2,196 homozygotes.

Submissions (2):

Illumina Laboratory Services, Illumina
Classification: Benign for Cerebellar ataxia, impaired intellectual development, and dysequilibrium syndrome 1. Last evaluated: 2018-01-13. Review status: criteria provided, single submitter. Criteria: ICSL Variant Classification Criteria 13 December 2019. Collection method: clinical testing. Allele origin: germline.
Comment: This variant was observed in the ICSL laboratory as part of a predisposition screen in an ostensibly healthy population. It had not been previously curated by ICSL or reported in the Human Gene Mutation Database (HGMD: prior to June 1st, 2018), and was therefore a candidate for classification through an automated scoring system. Utilizing variant allele frequency, disease prevalence and penetrance estimates, and inheritance mode, an automated score was calculated to assess if this variant is too frequent to cause the disease. Based on the score and internal cut-off values, a variant classified as benign is not then subjected to further curation. The score for this variant resulted in a classification of benign for this disease.

Breakthrough Genomics
Classification: Likely benign. Review status: criteria provided, single submitter. Criteria: ACMG Guidelines, 2015. Collection method: not provided. Allele origin: germline. Inheritance: Autosomal recessive inheritance. Affected: yes.

NM_003383.5(VLDLR):c.*551T>C

Gene: VLDLR (very low density lipoprotein receptor; plus strand). Cytogenetic location: 9p24.2.
Variant type: single nucleotide variant.
Coding change: c.*551T>C on transcript NM_003383.5 (MANE Select); 551 bases downstream of the stop codon, T replaced by C.
Molecular consequence: 3 prime UTR variant.
Genome position (GRCh38, 1-based): chr9:2,654,419, T>C. VCF-style: chr9-2654419-T-C. GRCh37 (hg19) VCF-style: chr9-2654419-T-C.
Other names: c.*551T>C (NM_001018056.3, NM_001322225.2, NM_001322226.2).
Identifiers: ClinVar variation 366383 (VCV000366383.7), dbSNP rs8210, ClinGen allele CA10627129.